The following is an entry in ClinVar:

NM_000557.5(GDF5):c.847G>A (p.Val283Met)

Genes: GDF5 (growth differentiation factor 5; minus strand), GDF5-AS1 (GDF5 antisense RNA 1; plus strand). Cytogenetic location: 20q11.22.
Variant type: single nucleotide variant.
Coding change: c.847G>A on transcript NM_000557.5 (MANE Select); coding-DNA position 847, G replaced by A.
Protein change: p.Val283Met; replaces valine 283 with methionine.
Molecular consequence: missense variant. On other transcripts: non-coding transcript variant (1).
Genome position (GRCh38, 1-based): chr20:35,434,568, C>T on the plus strand (G>A on the coding strand, the complement: GDF5 is on the minus strand). VCF-style: chr20-35434568-C-T. GRCh37 (hg19) VCF-style: chr20-34022366-C-T.
Other names: c.847G>A, p.Val283Met (NM_001319138.2); short protein forms V283M.
Identifiers: ClinVar variation 4688601 (VCV004688601.1).

ClinVar aggregate classification (germline): Uncertain significance (1 of 4 stars; one submission).

gnomAD v4.1: 2 of 1,588,582 alleles (0.00013%); highest among the groups gnomAD compares: African/African-American, 0.0014%; no homozygotes.

Submission:

Women's Health and Genetics/Laboratory Corporation of America, LabCorp
Classification: Uncertain significance. Last evaluated: 2025-12-03. Review status: criteria provided, single submitter. Criteria: LabCorp Variant Classification Summary - May 2015. Collection method: clinical testing. Allele origin: germline.
Comment: Variant summary: GDF5 c.847G>A (p.Val283Met) results in a conservative amino acid change in the encoded protein sequence. Algorithms developed to predict the effect of missense changes on protein structure and function are either unavailable or do not agree on the potential impact of this missense change. The variant allele was found at a frequency of 1.3e-06 in 1588582 control chromosomes. c.847G>A has been observed as a de novo occurrence in an individual affected with Type C brachydactyly (Stavropoulos_2016). These data do not allow any conclusion about variant significance. To our knowledge, no experimental evidence demonstrating an impact on protein function has been reported. The following publication have been ascertained in the context of this evaluation (PMID: 28567303). No submitters have cited clinical-significance assessments for this variant to ClinVar. Based on the evidence outlined above, the variant was classified as VUS-possibly pathogenic.

Literature cited by the submitters: PubMed 28567303.